The following is an entry in ClinVar:

NM_003001.5(SDHC):c.118C>T (p.Arg40Trp)

Gene: SDHC (succinate dehydrogenase complex subunit C; plus strand). Cytogenetic location: 1q23.3.
Variant type: single nucleotide variant.
Coding change: c.118C>T on transcript NM_003001.5 (MANE Select); coding-DNA position 118, C replaced by T.
Protein change: p.Arg40Trp; replaces arginine 40 with tryptophan.
Molecular consequence: missense variant. On other transcripts: non-coding transcript variant (1), intron variant (4).
Genome position (GRCh38, 1-based): chr1:161,328,436, C>T. VCF-style: chr1-161328436-C-T. GRCh37 (hg19) VCF-style: chr1-161298226-C-T.
Other names: c.118C>T, p.Arg40Trp (NM_001035511.3, NM_001407115.1); c.61C>T, p.Arg21Trp (NM_001407116.1, NM_001407117.1, NM_001407121.1); c.7C>T, p.Arg3Trp (NM_001407119.1, NM_001407120.1); c.77+4766C>T (NM_001035512.3, NM_001278172.3, NM_001407118.1); c.21-12158C>T (NM_001035513.3); short protein forms R40W, R3W, R21W.
Identifiers: ClinVar variation 534374 (VCV000534374.27), dbSNP rs978019587, ClinGen allele CA31686023.
Genomic context (GRCh38, chr1:161,328,436, plus strand): 5'-ACGGTCTGGTTTTATTTTAGTGCTGTTCCTTTGGGAACCACGGCCAAAGAAGAGATGGAG[C>T]GGTTCTGGAATAAGAATATAGGTTCAAACCGTCCTCTGTCTCCCCACATTACTATCTACA-3'
Protein context (NP_002992.1, residues 30-50): LGTTAKEEME[Arg40Trp]FWNKNIGSNR

ClinVar aggregate classification (germline): Uncertain significance. Review status: criteria provided, multiple submitters, no conflicts (2 of 4 stars). 7 submissions from 7 submitters: Uncertain significance (7). Last evaluated 2025-09-16.

Conditions:
Gastrointestinal stromal tumor. Also called: Gastrointestinal stromal tumor, somatic; Gastrointestinal stroma tumor. Identifiers: Orphanet 44890, MedGen C0238198, MeSH D046152, MONDO:0011719, OMIM 606764, HP:0100723.
Pheochromocytoma/paraganglioma syndrome 3. Also called: GLOMUS TUMORS, FAMILIAL, 3; SDHC-Related Hereditary Paraganglioma-Pheochromocytoma Syndrome (Paragangliomas 3); Paragangliomas 3; SDHC-Related Hereditary Paraganglioma-Pheochromocytoma Syndrome. Identifiers: Orphanet 29072, MedGen C1854336, MONDO:0011544, OMIM 605373.
Hereditary cancer-predisposing syndrome. Also called: Hereditary Cancer Syndrome; Tumor predisposition; Neoplastic Syndromes, Hereditary; Hereditary neoplastic syndrome. Identifiers: Orphanet 140162, MedGen C0027672, MeSH D009386, MONDO:0015356.

Allele frequency attached by ClinVar (database versions not stated): gnomAD exomes 0.00001 and 0.00002; gnomAD 0.00003 and 0.00004; TOPMed 0.00003.
gnomAD v4.1: 18 of 1,613,548 alleles (0.0011%); highest among the groups gnomAD compares: Admixed American, 0.0083%; no homozygotes.

Submissions (7):

Ambry Genetics
Classification: Uncertain significance for Hereditary cancer-predisposing syndrome. Last evaluated: 2025-09-16. Review status: criteria provided, single submitter. Criteria: Ambry Variant Classification Scheme 2023. Collection method: clinical testing. Allele origin: germline.
Comment: The p.R40W variant (also known as c.118C>T), located in coding exon 3 of the SDHC gene, results from a C to T substitution at nucleotide position 118. The arginine at codon 40 is replaced by tryptophan, an amino acid with dissimilar properties. This amino acid position is not well conserved in available vertebrate species. In addition, the in silico prediction for this alteration is inconclusive. Since supporting evidence is limited at this time, the clinical significance of this alteration remains unclear.

CeGaT Center for Human Genetics Tuebingen
Classification: Uncertain significance. Last evaluated: 2025-08-01. Review status: criteria provided, single submitter. Criteria: CeGaT Center For Human Genetics Tuebingen Variant Classification Criteria Version 2. Collection method: clinical testing. Allele origin: germline. Affected: yes. Observed: 1 variant allele.

Center for Genomic Medicine, Rigshospitalet, Copenhagen University Hospital
Classification: Uncertain significance. Last evaluated: 2025-03-04. Review status: criteria provided, single submitter. Criteria: ACMG Guidelines, 2015. Collection method: clinical testing. Allele origin: germline.

Quest Diagnostics Nichols Institute San Juan Capistrano
Classification: Uncertain significance. Last evaluated: 2025-02-05. Review status: criteria provided, single submitter. Criteria: Quest Diagnostics criteria. Collection method: clinical testing. Allele origin: unknown.
Comment: The SDHC c.118C>T (p.Arg40Trp) variant has not been reported in individuals with SDHC-related conditions in the published literature. The frequency of this variant in the general population (Genome Aggregation Database) is uninformative in the assessment of its pathogenicity. Analysis of this variant using bioinformatics tools for the prediction of the effect of amino acid changes on protein structure and function yielded predictions that this variant is benign. Based on the available information, we are unable to determine the clinical significance of this variant.

Labcorp Genetics (formerly Invitae), Labcorp
Classification: Uncertain significance for Pheochromocytoma/paraganglioma syndrome 3; Gastrointestinal stromal tumor. Last evaluated: 2025-01-16. Review status: criteria provided, single submitter. Criteria: Invitae Variant Classification Sherloc (09022015). Collection method: clinical testing. Allele origin: germline.
Comment: This sequence change replaces arginine, which is basic and polar, with tryptophan, which is neutral and slightly polar, at codon 40 of the SDHC protein (p.Arg40Trp). This variant is present in population databases (no rsID available, gnomAD 0.009%). This variant has not been reported in the literature in individuals affected with SDHC-related conditions. ClinVar contains an entry for this variant (Variation ID: 534374). An algorithm developed to predict the effect of missense changes on protein structure and function (PolyPhen-2) suggests that this variant¬¨‚Ä†is likely to be tolerated. In summary, the available evidence is currently insufficient to determine the role of this variant in disease. Therefore, it has been classified as a Variant of Uncertain Significance.

Baylor Genetics
Classification: Uncertain significance for Gastrointestinal stromal tumor. Last evaluated: 2023-08-02. Review status: criteria provided, single submitter. Criteria: ACMG Guidelines, 2015. Collection method: clinical testing. Allele origin: unknown.

GeneDx
Classification: Uncertain significance. Last evaluated: 2023-04-24. Review status: criteria provided, single submitter. Criteria: GeneDx Variant Classification Process June 2021. Collection method: clinical testing. Allele origin: germline. Affected: yes.
Comment: Not observed at significant frequency in large population cohorts (gnomAD); In silico analysis supports that this missense variant has a deleterious effect on protein structure/function; Has not been previously published as pathogenic or benign to our knowledge; This variant is associated with the following publications: (PMID: 27149842, 30669266)